The following is an entry in ClinVar:

ClinVar aggregate classification (germline): Uncertain significance. Review status: criteria provided, multiple submitters, no conflicts (2 of 4 stars). 2 submissions from 2 submitters: Uncertain significance (2). Last evaluated 2026-02-16.

Conditions:
Familial cold autoinflammatory syndrome 3 (FCAS3). Also called: ANTIBODY DEFICIENCY AND IMMUNE DYSREGULATION, PLCG2-ASSOCIATED; FAMILIAL ATYPICAL COLD URTICARIA. Identifiers: Orphanet 300359, MedGen C3280914, MONDO:0013766, OMIM 614468.
PLCG2-related disorder. Also called: PLCG2-related condition.

Allele frequency attached by ClinVar (database versions not stated): gnomAD exomes below 0.00001; ExAC 0.00001; TOPMed 0.00002; gnomAD 0.00003.
gnomAD v4.1: 6 of 1,613,068 alleles (0.00037%); highest among the groups gnomAD compares: African/African-American, 0.0053%; no homozygotes.

Submissions (2):

PreventionGenetics, part of Exact Sciences
Classification: Uncertain significance for PLCG2-related condition. Last evaluated: 2026-02-16. Review status: criteria provided, single submitter. Criteria: ACMG Guidelines, 2015. Collection method: clinical testing. Allele origin: germline.
Comment: The PLCG2 c.542A>G variant is predicted to result in the amino acid substitution p.Lys181Arg. To our knowledge, this variant has not been reported in the literature. This variant is reported in 0.0041% of alleles in individuals of African descent in gnomAD. At this time, the clinical significance of this variant is uncertain due to the absence of conclusive functional and genetic evidence.

Labcorp Genetics (formerly Invitae), Labcorp
Classification: Uncertain significance for Familial cold autoinflammatory syndrome 3. Last evaluated: 2021-08-28. Review status: criteria provided, single submitter. Criteria: Invitae Variant Classification Sherloc (09022015). Collection method: clinical testing. Allele origin: germline.

NM_002661.5(PLCG2):c.542A>G (p.Lys181Arg)

Gene: PLCG2 (phospholipase C gamma 2; plus strand). Cytogenetic location: 16q23.3.
Variant type: single nucleotide variant.
Coding change: c.542A>G on transcript NM_002661.5 (MANE Select); coding-DNA position 542, A replaced by G.
Protein change: p.Lys181Arg; replaces lysine 181 with arginine.
Molecular consequence: missense variant.
Genome position (GRCh38, 1-based): chr16:81,869,276, A>G. VCF-style: chr16-81869276-A-G. GRCh37 (hg19) VCF-style: chr16-81902881-A-G.
Other names: short protein forms K181R.
Identifiers: ClinVar variation 964428 (VCV000964428.6), dbSNP rs748418080, ClinGen allele CA8193261.